The following is an entry in ClinVar:

NM_145331.3(MAP3K7):c.1222C>G (p.Pro408Ala)

Gene: MAP3K7 (mitogen-activated protein kinase kinase kinase 7; minus strand). Cytogenetic location: 6q15.
Variant type: single nucleotide variant.
Coding change: c.1222C>G on transcript NM_145331.3 (MANE Select); coding-DNA position 1222, C replaced by G.
Protein change: p.Pro408Ala; replaces proline 408 with alanine.
Molecular consequence: missense variant. On other transcripts: intron variant (2).
Genome position (GRCh38, 1-based): chr6:90,544,621, G>C on the plus strand (C>G on the coding strand, the complement: MAP3K7 is on the minus strand). VCF-style: chr6-90544621-G-C. GRCh37 (hg19) VCF-style: chr6-91254340-G-C.
Other names: c.1222C>G, p.Pro408Ala (NM_145332.3); c.1210+2637C>G (NM_145333.3, NM_003188.4); short protein forms P408A.
Identifiers: ClinVar variation 2993498 (VCV002993498.3), dbSNP rs763016638, ClinGen allele CA3928416.

ClinVar aggregate classification (germline): Uncertain significance (1 of 4 stars; one submission).

Allele frequency attached by ClinVar (database versions not stated): TOPMed below 0.00001; ExAC 0.00001.
gnomAD v4.1: 2 of 1,612,310 alleles (0.00012%); highest among the groups gnomAD compares: Admixed American, 0.0033%; no homozygotes.

Submission:

Labcorp Genetics (formerly Invitae), Labcorp
Classification: Uncertain significance. Last evaluated: 2022-11-29. Review status: criteria provided, single submitter. Criteria: Invitae Variant Classification Sherloc (09022015). Collection method: clinical testing. Allele origin: germline.
Comment: This variant has not been reported in the literature in individuals affected with MAP3K7-related conditions. Algorithms developed to predict the effect of missense changes on protein structure and function (SIFT, PolyPhen-2, Align-GVGD) all suggest that this variant is likely to be tolerated. In summary, the available evidence is currently insufficient to determine the role of this variant in disease. Therefore, it has been classified as a Variant of Uncertain Significance. This sequence change replaces proline, which is neutral and non-polar, with alanine, which is neutral and non-polar, at codon 408 of the MAP3K7 protein (p.Pro408Ala). This variant is present in population databases (rs763016638, gnomAD 0.006%).